The following is an entry in ClinVar:

ClinVar aggregate classification (germline): Uncertain significance (1 of 4 stars; one submission).

Conditions:
SCAPER-related disorder. Also called: SCAPER-related condition.

gnomAD v4.1: 11 of 1,613,510 alleles (0.00068%); highest among the groups gnomAD compares: Non-Finnish European, 0.00093%; no homozygotes.

Submission:

PreventionGenetics, part of Exact Sciences
Classification: Uncertain significance for SCAPER-related condition. Last evaluated: 2025-03-17. Review status: criteria provided, single submitter. Criteria: ACMG Guidelines, 2015. Collection method: clinical testing. Allele origin: germline.
Comment: The SCAPER c.3703C>T variant is predicted to result in the amino acid substitution p.Leu1235Phe. To our knowledge, this variant has not been reported in the literature. This variant is reported in 0.00089% of alleles in individuals of European (Non-Finnish) descent in gnomAD. At this time, the clinical significance of this variant is uncertain due to the absence of conclusive functional and genetic evidence.

NM_020843.4(SCAPER):c.3685C>T (p.Leu1229Phe)

Gene: SCAPER (S-phase cyclin A associated protein in the ER; minus strand). Cytogenetic location: 15q24.3.
Variant type: single nucleotide variant.
Coding change: c.3685C>T on transcript NM_020843.4 (MANE Select); coding-DNA position 3685, C replaced by T.
Protein change: p.Leu1229Phe; replaces leucine 1229 with phenylalanine.
Molecular consequence: missense variant. On other transcripts: non-coding transcript variant (1).
Genome position (GRCh38, 1-based): chr15:76,381,398, G>A on the plus strand (C>T on the coding strand, the complement: SCAPER is on the minus strand). VCF-style: chr15-76381398-G-A. GRCh37 (hg19) VCF-style: chr15-76673739-G-A.
Other names: c.2947C>T, p.Leu983Phe (NM_001145923.2); c.3703C>T, p.Leu1235Phe (NM_001353009.2); c.3283C>T, p.Leu1095Phe (NM_001353010.2, NM_001353012.2); c.3301C>T, p.Leu1101Phe (NM_001353011.2); short protein forms L1095F, L983F, L1101F, L1229F, L1235F.
Identifiers: ClinVar variation 5000621 (VCV005000621.1).
Genomic context (GRCh38, chr15:76,381,398, plus strand): 5'-TCTTGATTGGTTAACATCGATATAAACCAATACTTGGTACCTGAAAAGCAGGCAGATGAA[G>A]AGCTGCAAAGCTGTTGAAGAAACGTAAACTCTGAATGGCCACTTGGATGGTATTTTGAGT-3'
Protein context (NP_065894.2, residues 1219-1239): SLRFFNSFAA[Leu1229Phe]HLPAFQSIVG